The following is an entry in ClinVar:

ClinVar aggregate classification (germline): Uncertain significance (1 of 4 stars; one submission).

gnomAD v4.1: 8 of 1,614,076 alleles (0.0005%); highest among the groups gnomAD compares: South Asian, 0.0088%; no homozygotes.

Submission:

Labcorp Genetics (formerly Invitae), Labcorp
Classification: Uncertain significance. Last evaluated: 2024-03-11. Review status: criteria provided, single submitter. Criteria: Invitae Variant Classification Sherloc (09022015). Collection method: clinical testing. Allele origin: germline.
Comment: This sequence change replaces isoleucine, which is neutral and non-polar, with valine, which is neutral and non-polar, at codon 740 of the EXTL3 protein (p.Ile740Val). This variant is present in population databases (rs764873000, gnomAD 0.01%). This variant has not been reported in the literature in individuals affected with EXTL3-related conditions. Advanced modeling of protein sequence and biophysical properties (such as structural, functional, and spatial information, amino acid conservation, physicochemical variation, residue mobility, and thermodynamic stability) performed at Invitae indicates that this missense variant is not expected to disrupt EXTL3 protein function with a negative predictive value of 80%. In summary, the available evidence is currently insufficient to determine the role of this variant in disease. Therefore, it has been classified as a Variant of Uncertain Significance.

NM_001440.4(EXTL3):c.2218A>G (p.Ile740Val)

Gene: EXTL3 (exostosin like glycosyltransferase 3; plus strand). Cytogenetic location: 8p21.1.
Variant type: single nucleotide variant.
Coding change: c.2218A>G on transcript NM_001440.4 (MANE Select); coding-DNA position 2218, A replaced by G.
Protein change: p.Ile740Val; replaces isoleucine 740 with valine.
Molecular consequence: missense variant. On other transcripts: non-coding transcript variant (1).
Genome position (GRCh38, 1-based): chr8:28,731,292, A>G. VCF-style: chr8-28731292-A-G. GRCh37 (hg19) VCF-style: chr8-28588809-A-G.
Other names: short protein forms I740V.
Identifiers: ClinVar variation 3605469 (VCV003605469.2).